The following is an entry in ClinVar:

NM_000478.6(ALPL):c.717C>T (p.Asp239=)

Gene: ALPL (alkaline phosphatase, biomineralization associated; plus strand). Cytogenetic location: 1p36.12.
Variant type: single nucleotide variant.
Coding change: c.717C>T on transcript NM_000478.6 (MANE Select); coding-DNA position 717, C replaced by T.
Protein change: p.Asp239=; no amino-acid change (aspartic acid 239 retained).
Molecular consequence: synonymous variant.
Genome position (GRCh38, 1-based): chr1:21,568,172, C>T. VCF-style: chr1-21568172-C-T. GRCh37 (hg19) VCF-style: chr1-21894665-C-T.
Other names: c.552C>T, p.Asp184= (NM_001127501.4); c.486C>T, p.Asp162= (NM_001177520.3); c.717C>T, p.Asp239= (NM_001369803.2, NM_001369804.2, NM_001369805.2).
Identifiers: ClinVar variation 1095386 (VCV001095386.13), dbSNP rs780024242, ClinGen allele CA666588.

ClinVar aggregate classification (germline): Likely benign. Review status: criteria provided, multiple submitters, no conflicts (2 of 4 stars). 2 submissions from 2 submitters: Likely benign (2). Last evaluated 2025-12-24.

Allele frequency attached by ClinVar (database versions not stated): TOPMed 0.00002; gnomAD 0.00003 and 0.00004; ExAC 0.00002; gnomAD exomes 0.00002.
gnomAD v4.1: 18 of 1,613,858 alleles (0.0011%); highest among the groups gnomAD compares: East Asian, 0.013%; no homozygotes.

Submissions (2):

Labcorp Genetics (formerly Invitae), Labcorp
Classification: Likely benign. Last evaluated: 2025-12-24. Review status: criteria provided, single submitter. Criteria: Invitae Variant Classification Sherloc (09022015). Collection method: clinical testing. Allele origin: germline.

CeGaT Center for Human Genetics Tuebingen
Classification: Likely benign. Last evaluated: 2025-12-01. Review status: criteria provided, single submitter. Criteria: CeGaT Center For Human Genetics Tuebingen Variant Classification Criteria Version 2. Collection method: clinical testing. Allele origin: germline. Affected: yes. Observed: 1 variant allele.
Comment: ALPL: BP4, BP7